The following is an entry in ClinVar:

NC_000006.11:g.(?_64776211)_(64776404_?)del

Gene: EYS (eyes shut homolog; minus strand). Cytogenetic location: 6q12.
Variant type: Deletion.
Identifiers: ClinVar variation 3246096 (VCV003246096.1).

ClinVar aggregate classification (germline): Pathogenic (1 of 4 stars; one submission).

Submission:

Labcorp Genetics (formerly Invitae), Labcorp
Classification: Pathogenic. Last evaluated: 2024-01-18. Review status: criteria provided, single submitter. Criteria: Invitae Variant Classification Sherloc (09022015). Collection method: clinical testing. Allele origin: unknown.
Comment: This variant is a gross deletion of the genomic region encompassing exon(s) 33 of the EYS gene. This deletion is out-of-frame, and is expected to create a premature termination codon and result in an absent or disrupted protein product. Loss-of-function variants in EYS are known to be pathogenic (PMID: 18836446, 20333770). A similar copy number variant has been observed in individual(s) with retinitis pigmentosa (PMID: 21519034). For these reasons, this variant has been classified as Pathogenic.

Literature cited by the submitters: PubMed 18836446; PubMed 20333770; PubMed 21519034.